The following is an entry in ClinVar:

ClinVar aggregate classification (germline): Uncertain significance. Review status: criteria provided, multiple submitters, no conflicts (2 of 4 stars). 2 submissions from 2 submitters: Uncertain significance (2). Last evaluated 2025-11-10.

Conditions:
Hereditary cancer-predisposing syndrome. Also called: Tumor predisposition; Hereditary neoplastic syndrome; Hereditary Cancer Syndrome; Neoplastic Syndromes, Hereditary. Identifiers: Orphanet 140162, MedGen C0027672, MeSH D009386, MONDO:0015356.

Submissions (2):

Labcorp Genetics (formerly Invitae), Labcorp
Classification: Uncertain significance. Last evaluated: 2025-11-10. Review status: criteria provided, single submitter. Criteria: Invitae Variant Classification Sherloc (09022015). Collection method: clinical testing. Allele origin: germline.
Comment: This sequence change replaces isoleucine, which is neutral and non-polar, with valine, which is neutral and non-polar, at codon 189 of the NTHL1 protein (p.Ile189Val). This variant is not present in population databases (gnomAD no frequency). This variant has not been reported in the literature in individuals affected with NTHL1-related conditions. ClinVar contains an entry for this variant (Variation ID: 962368). An algorithm developed to predict the effect of missense changes on protein structure and function (PolyPhen-2) suggests that this variant is likely to be disruptive. In summary, the available evidence is currently insufficient to determine the role of this variant in disease. Therefore, it has been classified as a Variant of Uncertain Significance.

Ambry Genetics
Classification: Uncertain significance for Hereditary cancer-predisposing syndrome. Last evaluated: 2025-04-14. Review status: criteria provided, single submitter. Criteria: Ambry Variant Classification Scheme 2023. Collection method: clinical testing. Allele origin: germline.
Comment: The p.I189V variant (also known as c.565A>G), located in coding exon 4 of the NTHL1 gene, results from an A to G substitution at nucleotide position 565. The isoleucine at codon 189 is replaced by valine, an amino acid with highly similar properties. This amino acid position is well conserved in available vertebrate species. In addition, the in silico prediction for this alteration is inconclusive. Since supporting evidence is limited at this time, the clinical significance of this alteration remains unclear.

NM_002528.7(NTHL1):c.541A>G (p.Ile181Val)

Gene: NTHL1 (nth like DNA glycosylase 1; minus strand). Cytogenetic location: 16p13.3.
Variant type: single nucleotide variant.
Coding change: c.541A>G on transcript NM_002528.7 (MANE Select); coding-DNA position 541, A replaced by G.
Protein change: p.Ile181Val; replaces isoleucine 181 with valine.
Molecular consequence: missense variant.
Genome position (GRCh38, 1-based): chr16:2,043,711, T>C on the plus strand (A>G on the coding strand, the complement: NTHL1 is on the minus strand). VCF-style: chr16-2043711-T-C. GRCh37 (hg19) VCF-style: chr16-2093712-T-C.
Other names: c.370A>G, p.Ile124Val (NM_001318193.2); c.211A>G, p.Ile71Val (NM_001318194.2); short protein forms I71V, I124V, I181V.
Identifiers: ClinVar variation 962368 (VCV000962368.11), dbSNP rs2084301185, ClinGen allele CA394292476.